The following is an entry in ClinVar:

ClinVar aggregate classification (germline): Likely benign. Review status: criteria provided, single submitter (1 of 4 stars). 2 submissions from 2 submitters: Likely benign (1). 1 of the submissions does not count toward it. Last evaluated 2025-10-26.

Conditions:
LCT-related disorder. Also called: LCT-related condition.

Allele frequency attached by ClinVar (database versions not stated): TOPMed below 0.00001; gnomAD exomes 0.00001; ExAC 0.00009; gnomAD 0.00002.
gnomAD v4.1: 26 of 1,614,188 alleles (0.0016%); highest among the groups gnomAD compares: East Asian, 0.045%; no homozygotes.

Submissions (2):

Labcorp Genetics (formerly Invitae), Labcorp
Classification: Likely benign. Last evaluated: 2025-10-26. Review status: criteria provided, single submitter. Criteria: Invitae Variant Classification Sherloc (09022015). Collection method: clinical testing. Allele origin: germline.

PreventionGenetics, part of Exact Sciences
Classification: Likely benign for LCT-related condition. Last evaluated: 2019-07-24. Review status: no assertion criteria provided. Collection method: clinical testing. Allele origin: germline. Not counted in ClinVar's aggregate classification.
Comment: This variant is classified as likely benign based on ACMG/AMP sequence variant interpretation guidelines (Richards et al. 2015 PMID: 25741868, with internal and published modifications).

NM_002299.4(LCT):c.3831G>A (p.Gly1277=)

Gene: LCT (lactase; minus strand). Cytogenetic location: 2q21.3.
Variant type: single nucleotide variant.
Coding change: c.3831G>A on transcript NM_002299.4 (MANE Select); coding-DNA position 3831, G replaced by A.
Protein change: p.Gly1277=; no amino-acid change (glycine 1277 retained).
Molecular consequence: synonymous variant.
Genome position (GRCh38, 1-based): chr2:135,808,516, C>T on the plus strand (G>A on the coding strand, the complement: LCT is on the minus strand). VCF-style: chr2-135808516-C-T. GRCh37 (hg19) VCF-style: chr2-136566086-C-T.
Other names: c.3831G>A (NM_002299.3).
Identifiers: ClinVar variation 2891360 (VCV002891360.5), dbSNP rs201668742, ClinGen allele CA1887977.